The following is an entry in ClinVar:

NM_007194.4(CHEK2):c.319+1G>T

Gene: CHEK2 (checkpoint kinase 2; minus strand). Cytogenetic location: 22q12.1.
Variant type: single nucleotide variant.
Coding change: c.319+1G>T on transcript NM_007194.4 (MANE Select); the canonical splice donor site of the intron after coding-DNA position 319, G replaced by T.
Molecular consequence: splice donor variant. On other transcripts: intron variant (1).
Genome position (GRCh38, 1-based): chr22:28,734,402, C>A on the plus strand (G>T on the coding strand, the complement: CHEK2 is on the minus strand). VCF-style: chr22-28734402-C-A. GRCh37 (hg19) VCF-style: chr22-29130390-C-A.
Other names: c.-345+7367G>T (NM_001437942.1); c.319+1G>T (NM_001349956.3, NM_145862.3, NM_001438295.1 and 3 more transcripts); c.-459+1G>T (NM_001257387.3).
Identifiers: ClinVar variation 640028 (VCV000640028.53), dbSNP rs765080766, ClinGen allele CA411090151.

ClinVar aggregate classification (germline): Likely pathogenic. Review status: criteria provided, multiple submitters, no conflicts (2 of 4 stars). 4 submissions from 4 submitters: Likely pathogenic (4). Last evaluated 2025-08-28.

Conditions:
Hereditary cancer-predisposing syndrome. Also called: Neoplastic Syndromes, Hereditary; Hereditary Cancer Syndrome; Tumor predisposition; Hereditary neoplastic syndrome. Identifiers: Orphanet 140162, MedGen C0027672, MeSH D009386, MONDO:0015356.
Familial cancer of breast. Also called: hereditary breast carcinoma; Hereditary breast cancer; BREAST CANCER, FAMILIAL. Identifiers: Orphanet 227535, MedGen C0346153, MONDO:0016419, OMIM 114480. Disease mechanism: loss of function.

Submissions (4):

Ambry Genetics
Classification: Likely pathogenic for Hereditary cancer-predisposing syndrome. Last evaluated: 2025-08-28. Review status: criteria provided, single submitter. Criteria: Ambry Variant Classification Scheme 2023. Collection method: clinical testing. Allele origin: germline.
Comment: The c.319+1G>T intronic variant results from a G to T substitution one nucleotide after coding exon 1 of the CHEK2 gene. Alterations that disrupt the canonical splice site are expected to result in aberrant splicing. In silico splice site analysis predicts that this alteration will weaken the native splice donor site, which is predicted to result in the in frame deletion of coding exon 1. As such, this alteration may escape nonsense-mediated mRNA decay and/or be prone to rescue by reinitiation; however, direct evidence is insufficient at this time (Rivas et al. Science. 2015 May 8;348(6235):666-9; Lindeboom et al. Nat Genet. 2016 Oct;48(10):1112-8; Rhee et al. Sci Rep. 2017 May 10;7(1):1653; Ambry internal data). The exact functional effect of this alteration is unknown; however, a significant portion of the protein is affected (Ambry internal data). This variant is considered to be rare based on population cohorts in the Genome Aggregation Database (gnomAD). This nucleotide position is highly conserved in available vertebrate species. Based on the majority of available evidence to date, this variant is likely to be pathogenic.

Labcorp Genetics (formerly Invitae), Labcorp
Classification: Likely pathogenic for Familial cancer of breast. Last evaluated: 2025-02-25. Review status: criteria provided, single submitter. Criteria: Invitae Variant Classification Sherloc (09022015). Collection method: clinical testing. Allele origin: germline.
Comment: This sequence change affects a donor splice site in intron 2 of the CHEK2 gene. It is expected to disrupt RNA splicing. Variants that disrupt the donor or acceptor splice site typically lead to a loss of protein function (PMID: 16199547), and loss-of-function variants in CHEK2 are known to be pathogenic (PMID: 21876083, 24713400). This variant is not present in population databases (gnomAD no frequency). This variant has not been reported in the literature in individuals affected with CHEK2-related conditions. ClinVar contains an entry for this variant (Variation ID: 640028). Algorithms developed to predict the effect of sequence changes on RNA splicing suggest that this variant may disrupt the consensus splice site. In summary, the currently available evidence indicates that the variant is pathogenic, but additional data are needed to prove that conclusively. Therefore, this variant has been classified as Likely Pathogenic.

Myriad Genetics, Inc.
Classification: Likely pathogenic for Familial cancer of breast. Last evaluated: 2023-01-17. Review status: criteria provided, single submitter. Criteria: Myriad Autosomal Dominant, Autosomal Recessive and X-Linked Classification Criteria (2023). Collection method: clinical testing. Allele origin: unknown.
Comment: This variant is considered likely pathogenic. This variant occurs within a consensus splice junction and is predicted to result in abnormal mRNA splicing of either an out-of-frame exon or an in-frame exon necessary for protein stability and/or normal function.

CeGaT Center for Human Genetics Tuebingen
Classification: Likely pathogenic. Last evaluated: 2017-01-01. Review status: criteria provided, single submitter. Criteria: CeGaT Center For Human Genetics Tuebingen Variant Classification Criteria Version 2. Collection method: clinical testing. Allele origin: germline. Affected: yes. Observed: 1 variant allele.

Literature cited by the submitters: PubMed 16199547 (cited by Labcorp Genetics (formerly Invitae), Labcorp); PubMed 21876083 (cited by Labcorp Genetics (formerly Invitae), Labcorp); PubMed 24713400 (cited by Labcorp Genetics (formerly Invitae), Labcorp).